The following is an entry in ClinVar:

ClinVar aggregate classification (germline): Conflicting classifications of pathogenicity. Review status: criteria provided, conflicting classifications (1 of 4 stars). 5 submissions from 5 submitters: Uncertain significance (3); Likely benign (2). Last evaluated 2026-04-02.

Conditions:
Erythrocytosis, familial, 3 (ECYT3). Identifiers: Orphanet 247511, MedGen C1853286, MONDO:0012353, OMIM 609820.
Hemoglobin, high altitude adaptation (HALAH). Identifiers: MedGen C1836778, OMIM 609070.

Allele frequency attached by ClinVar (database versions not stated): gnomAD 0.00103 and 0.00113; TOPMed 0.00109; 1000 Genomes Project 30x 0.00062; gnomAD exomes 0.00023 and 0.00015; 1000 Genomes Project 0.00060.
gnomAD v4.1: 332 of 1,312,802 alleles (0.025%); highest among the groups gnomAD compares: African/African-American, 0.38%; 1 homozygote.

Submissions (5):

Dasa
Classification: Likely benign. Last evaluated: 2026-04-02. Review status: criteria provided, single submitter. Criteria: DASA Assertion Criteria. Collection method: clinical testing. Allele origin: germline.
Comment: NM_022051.3(EGLN1):c.311C>T (p.Ser104Phe) is a missense variant that results in the substitution of serine with phenylalanine. Multiple computational predictions suggest no deleterious effect on the gene or gene product. Based on the available data, this variant is classified as likely benign.

Labcorp Genetics (formerly Invitae), Labcorp
Classification: Uncertain significance for Erythrocytosis, familial, 3. Last evaluated: 2026-01-11. Review status: criteria provided, single submitter. Criteria: Invitae Variant Classification Sherloc (09022015). Collection method: clinical testing. Allele origin: germline.
Comment: This sequence change replaces serine, which is neutral and polar, with phenylalanine, which is neutral and non-polar, at codon 104 of the EGLN1 protein (p.Ser104Phe). The frequency data for this variant in the population databases is considered unreliable, as metrics indicate poor data quality at this position in the gnomAD database. This variant has not been reported in the literature in individuals affected with EGLN1-related conditions. ClinVar contains an entry for this variant (Variation ID: 407205). An algorithm developed to predict the effect of missense changes on protein structure and function (PolyPhen-2) suggests that this variant is likely to be disruptive. In summary, the available evidence is currently insufficient to determine the role of this variant in disease. Therefore, it has been classified as a Variant of Uncertain Significance.

Ambry Genetics
Classification: Likely benign. Last evaluated: 2024-12-06. Review status: criteria provided, single submitter. Criteria: Ambry Variant Classification Scheme 2023. Collection method: clinical testing. Allele origin: germline.

Fulgent Genetics
Classification: Uncertain significance for Hemoglobin, high altitude adaptation; Erythrocytosis, familial, 3. Last evaluated: 2024-01-17. Review status: criteria provided, single submitter. Criteria: ACMG Guidelines, 2015. Collection method: clinical testing. Allele origin: germline.

GeneDx
Classification: Uncertain significance. Last evaluated: 2020-10-09. Review status: criteria provided, single submitter. Criteria: GeneDx Variant Classification Process June 2021. Collection method: clinical testing. Allele origin: germline. Affected: yes.
Comment: In silico analysis supports that this missense variant does not alter protein structure/function; Observed in individuals with a personal or family history including hereditary erythrocytosis and pheochromocytoma (Oliveira et al., 2018; Ben Aim et al., 2019); This variant is associated with the following publications: (PMID: 29790589, 30877234)

NM_022051.3(EGLN1):c.311C>T (p.Ser104Phe)

Gene: EGLN1 (egl-9 family hypoxia inducible factor 1; minus strand). Cytogenetic location: 1q42.2.
Variant type: single nucleotide variant.
Coding change: c.311C>T on transcript NM_022051.3 (MANE Select); coding-DNA position 311, C replaced by T.
Protein change: p.Ser104Phe; replaces serine 104 with phenylalanine.
Molecular consequence: missense variant.
Genome position (GRCh38, 1-based): chr1:231,421,578, G>A on the plus strand (C>T on the coding strand, the complement: EGLN1 is on the minus strand). VCF-style: chr1-231421578-G-A. GRCh37 (hg19) VCF-style: chr1-231557324-G-A.
Other names: c.311C>T, p.Ser104Phe (NM_001377260.1, NM_001377261.1); short protein forms S104F.
Identifiers: ClinVar variation 407205 (VCV000407205.12), dbSNP rs551207815, ClinGen allele CA16610038.
Genomic context (GRCh38, chr1:231,421,578, plus strand): 5'-GCGGCCGCCGCTGGGTCGGCCGGGGGCTTGGCCTTTACTTTTCCCTTGGCCGCGTCCCCG[G>A]AGGCGTTGTCCCGGCGCGCCGCTGCCTTCCTGGGCTCCCGGGCCCCGGCCCTGGGCGGCG-3'
Protein context (NP_071334.1, residues 94-114): RKAAARRDNA[Ser104Phe]GDAAKGKVKA